The following is an entry in ClinVar:

ClinVar aggregate classification (germline): Uncertain significance (1 of 4 stars; one submission).

Submission:

Labcorp Genetics (formerly Invitae), Labcorp
Classification: Uncertain significance. Last evaluated: 2023-07-20. Review status: criteria provided, single submitter. Criteria: Invitae Variant Classification Sherloc (09022015). Collection method: clinical testing. Allele origin: germline.
Comment: This sequence change replaces threonine, which is neutral and polar, with alanine, which is neutral and non-polar, at codon 622 of the DVL1 protein (p.Thr622Ala). This variant is not present in population databases (gnomAD no frequency). This variant has not been reported in the literature in individuals affected with DVL1-related conditions. Advanced modeling of protein sequence and biophysical properties (such as structural, functional, and spatial information, amino acid conservation, physicochemical variation, residue mobility, and thermodynamic stability) performed at Invitae indicates that this missense variant is not expected to disrupt DVL1 protein function. In summary, the available evidence is currently insufficient to determine the role of this variant in disease. Therefore, it has been classified as a Variant of Uncertain Significance.

NM_001330311.2(DVL1):c.1939A>G (p.Thr647Ala)

Gene: DVL1 (dishevelled segment polarity protein 1; minus strand). Cytogenetic location: 1p36.33.
Variant type: single nucleotide variant.
Coding change: c.1939A>G on transcript NM_001330311.2 (MANE Select); coding-DNA position 1939, A replaced by G.
Protein change: p.Thr647Ala; replaces threonine 647 with alanine.
Molecular consequence: missense variant.
Genome position (GRCh38, 1-based): chr1:1,336,291, T>C on the plus strand (A>G on the coding strand, the complement: DVL1 is on the minus strand). VCF-style: chr1-1336291-T-C. GRCh37 (hg19) VCF-style: chr1-1271671-T-C.
Other names: c.1864A>G, p.Thr622Ala (NM_004421.3); short protein forms T622A, T647A.
Identifiers: ClinVar variation 2745503 (VCV002745503.3), dbSNP rs376852453, ClinGen allele CA337854541.